The following is an entry in ClinVar:

NM_024422.6(DSC2):c.69+6T>A

Genes: DSC2 (desmocollin 2; minus strand), DSCAS (DSC1/DSC2 antisense RNA; plus strand). Cytogenetic location: 18q12.1.
Variant type: single nucleotide variant.
Coding change: c.69+6T>A on transcript NM_024422.6 (MANE Select); 6 bases into the intron after coding-DNA position 69, T replaced by A.
Molecular consequence: intron variant.
Genome position (GRCh38, 1-based): chr18:31,101,897, A>T on the plus strand (T>A on the coding strand, the complement: DSC2 is on the minus strand). VCF-style: chr18-31101897-A-T. GRCh37 (hg19) VCF-style: chr18-28681860-A-T.
Other names: c.69+6T>A (NM_004949.5).
Identifiers: ClinVar variation 4886060 (VCV004886060.2).

ClinVar aggregate classification (germline): Uncertain significance (1 of 4 stars; one submission).

Submission:

Dasa
Classification: Uncertain significance. Last evaluated: 2025-12-12. Review status: criteria provided, single submitter. Criteria: DASA Assertion Criteria. Collection method: clinical testing. Allele origin: germline.
Comment: NM_024422.6(DSC2):c.69+6T>A is a splice-region variant. This variant affects a splice-region context with prior evidence supporting clinical relevance. This variant is rare in population databases. Computational prediction algorithms are consistent with a deleterious effect. The currently available literature and clinical evidence are not sufficient to establish a definitive association between this variant and the reported condition. Therefore, this variant is classified as a variant of uncertain significance.